The following is an entry in ClinVar:

NM_017950.4(CCDC40):c.2976C>A (p.His992Gln)

Gene: CCDC40 (coiled-coil domain 40 molecular ruler complex subunit; plus strand). Cytogenetic location: 17q25.3.
Variant type: single nucleotide variant.
Coding change: c.2976C>A on transcript NM_017950.4 (MANE Select); coding-DNA position 2976, C replaced by A.
Protein change: p.His992Gln; replaces histidine 992 with glutamine.
Molecular consequence: missense variant.
Genome position (GRCh38, 1-based): chr17:80,095,406, C>A. VCF-style: chr17-80095406-C-A. GRCh37 (hg19) VCF-style: chr17-78069205-C-A.
Other names: short protein forms H992Q.
Identifiers: ClinVar variation 845174 (VCV000845174.10), dbSNP rs2038791503, ClinGen allele CA401355160.

ClinVar aggregate classification (germline): Uncertain significance (1 of 4 stars; one submission).

Conditions:
Primary ciliary dyskinesia. Also called: Ciliary dyskinesia. Identifiers: Orphanet 244, MedGen C0008780, MONDO:0016575, HP:0012265.

Submission:

Labcorp Genetics (formerly Invitae), Labcorp
Classification: Uncertain significance for Primary ciliary dyskinesia. Last evaluated: 2019-01-26. Review status: criteria provided, single submitter. Criteria: Invitae Variant Classification Sherloc (09022015). Collection method: clinical testing. Allele origin: germline.
Comment: This variant is not present in population databases (ExAC no frequency). This sequence change replaces histidine with glutamine at codon 992 of the CCDC40 protein (p.His992Gln). The histidine residue is moderately conserved and there is a small physicochemical difference between histidine and glutamine. This variant has not been reported in the literature in individuals with CCDC40-related conditions. Algorithms developed to predict the effect of missense changes on protein structure and function output the following: SIFT: "Tolerated"; PolyPhen-2: "Benign"; Align-GVGD: "Class C0". The glutamine amino acid residue is found in multiple mammalian species, suggesting that this missense change does not adversely affect protein function. These predictions have not been confirmed by published functional studies and their clinical significance is uncertain. In summary, the available evidence is currently insufficient to determine the role of this variant in disease. Therefore, it has been classified as a Variant of Uncertain Significance.